The following is an entry in ClinVar:

ClinVar aggregate classification (germline): Uncertain significance. Review status: criteria provided, multiple submitters, no conflicts (2 of 4 stars). 2 submissions from 2 submitters: Uncertain significance (2). Last evaluated 2026-05-07.

Conditions:
POLG-related disorder. Also called: POLG-Related Spectrum Disorders; POLG-related condition; POLG-Related Disorders. Identifiers: MedGen C4763519.
Progressive sclerosing poliodystrophy (MTDPS4A). Also called: Alpers Syndrome; ALPERS DIFFUSE DEGENERATION OF CEREBRAL GRAY MATTER WITH HEPATIC CIRRHOSIS; ALPERS PROGRESSIVE INFANTILE POLIODYSTROPHY; NEURONAL DEGENERATION OF CHILDHOOD WITH LIVER DISEASE, PROGRESSIVE; Mitochondrial DNA Depletion Syndrome 4A; Alpers-Huttenlocher Syndrome (AHS). Identifiers: Orphanet 726, MedGen C0205710, MONDO:0008758, OMIM 203700.

Submissions (2):

Myriad Genetics, Inc.
Classification: Uncertain significance for POLG-related disorder. Last evaluated: 2026-05-07. Review status: criteria provided, single submitter. Criteria: Myriad Autosomal Dominant, Autosomal Recessive and X-Linked Classification Criteria (2023). Collection method: clinical testing. Allele origin: unknown.
Comment: NM_002693.2(POLG):c.119_133del15(R40_Q44del) is an in-frame deletion classified as a variant of uncertain significance in the context of POLG-related disorders. R40_Q44del has not been observed in cases with relevant disease. Relevant functional assessments of this variant are not available in the literature. R40_Q44del has been observed in referenced population frequency databases. In summary, there is insufficient evidence to classify NM_002693.2(POLG):c.119_133del15(R40_Q44del) as pathogenic or benign. Please note: this variant was assessed in the context of healthy population screening.

Labcorp Genetics (formerly Invitae), Labcorp
Classification: Uncertain significance for Progressive sclerosing poliodystrophy. Last evaluated: 2022-03-18. Review status: criteria provided, single submitter. Criteria: Invitae Variant Classification Sherloc (09022015). Collection method: clinical testing. Allele origin: germline.
Comment: This variant, c.119_133del, results in the deletion of 5 amino acid(s) of the POLG protein (p.Arg40_Gln44del), but otherwise preserves the integrity of the reading frame. The frequency data for this variant in the population databases is considered unreliable, as metrics indicate poor data quality at this position in the gnomAD database. This variant has not been reported in the literature in individuals affected with POLG-related conditions. Experimental studies and prediction algorithms are not available or were not evaluated, and the functional significance of this variant is currently unknown. In summary, the available evidence is currently insufficient to determine the role of this variant in disease. Therefore, it has been classified as a Variant of Uncertain Significance.

NM_002693.3(POLG):c.119_133del (p.Arg40_Gln44del)

Genes: POLG (DNA polymerase gamma, catalytic subunit; minus strand), POLGARF (POLG alternative reading frame; minus strand). Cytogenetic location: 15q26.1.
Variant type: Deletion.
Coding change: c.119_133del on transcript NM_002693.3 (MANE Select); coding-DNA positions 119 to 133, 15 bases deleted (GGCGGCGGCAGCAGC).
Protein change: p.Arg40_Gln44del.
Molecular consequence: inframe deletion.
Genome position (GRCh38, 1-based): chr15:89,333,622-89,333,636, GCTGCTGCCGCCGCC deleted on the plus strand (GGCGGCGGCAGCAGC on the coding strand, the reverse complement: POLG is on the minus strand); deleting any 15 consecutive bases within chr15:89,333,622-89,333,641 gives the same sequence; the c. name uses the placement nearest the transcript's 3' end. VCF-style (leftmost placement, unchanged base first): chr15-89333621-TGCTGCTGCCGCCGCC-T. GRCh37 (hg19) VCF-style: chr15-89876852-TGCTGCTGCCGCCGCC-T.
Other names: c.119_133del, p.Arg40_Gln44del (NM_001126131.2).
Identifiers: ClinVar variation 1933108 (VCV001933108.3), dbSNP rs769976481, ClinGen allele CA619857527.